The following is an entry in ClinVar:

Conditions:
Breast-ovarian cancer, familial, susceptibility to, 1 (BROVCA1). Also called: BRCA1 Hereditary Breast and Ovarian Cancer; OVARIAN CANCER, SUSCEPTIBILITY TO. Identifiers: Orphanet 145, MedGen C2676676, MONDO:0011450, OMIM 604370. Disease mechanism: loss of function.

Submission:

Brotman Baty Institute, University of Washington
No classification provided (evidence only). Condition: Breast-ovarian cancer, familial 1. Review status: no classification provided. Collection method: in vitro. Allele origin: not applicable. Functional consequence: functionally_normal.
ClinVar note: "not provided" was previously submitted as the classification for the variant. However, the classification appeared to be based only on an observation of functional data so it was converted to no classification on 2025-07-30.

NM_007294.4(BRCA1):c.5334T>G (p.Asp1778Glu)

Gene: BRCA1 (BRCA1 DNA repair associated; minus strand). Cytogenetic location: 17q21.31.
Variant type: single nucleotide variant.
Coding change: c.5334T>G on transcript NM_007294.4 (MANE Select); coding-DNA position 5334, T replaced by G.
Protein change: p.Asp1778Glu; replaces aspartic acid 1778 with glutamic acid.
Molecular consequence: missense variant. On other transcripts: non-coding transcript variant (1), intron variant (1).
Genome position (GRCh38, 1-based): chr17:43,049,193, A>C on the plus strand (T>G on the coding strand, the complement: BRCA1 is on the minus strand). VCF-style: chr17-43049193-A-C. GRCh37 (hg19) VCF-style: chr17-41201210-A-C.
Other names: c.5001T>G, p.Asp1667Glu (NM_001407948.1, NM_001407949.1, NM_001407946.1 and 1 more transcripts); c.4998T>G, p.Asp1666Glu (NM_001407950.1, NM_001407951.1, NM_001407952.1 and 3 more transcripts); c.4995T>G, p.Asp1665Glu (NM_001407956.1, NM_001407957.1, NM_001407958.1); c.2730T>G, p.Asp910Glu (NM_001407968.1); c.2727T>G, p.Asp909Glu (NM_001407969.1); c.2091T>G, p.Asp697Glu (NM_001407970.1, NM_001407971.1); c.2088T>G, p.Asp696Glu (NM_001407972.1); c.2025T>G, p.Asp675Glu (NM_001407973.1, NM_001407974.1, NM_001407975.1 and 3 more transcripts); and 73 more; short protein forms D1778E, D1731E, D1799E, D674E, D1481E, D1482E, D1665E, D1708E.
Identifiers: ClinVar variation 865357 (VCV000865357.3), dbSNP rs754152768, ClinGen allele CA10590794.